The following is an entry in ClinVar:

ClinVar aggregate classification (germline): Benign. Review status: criteria provided, multiple submitters, no conflicts (2 of 4 stars). 2 submissions from 2 submitters: Benign (2). Last evaluated 2018-01-13.

Conditions:
Hereditary xanthinuria type 1 (XAN1). Identifiers: Orphanet 3467, Orphanet 93601, MedGen C0268118, MONDO:0010209, OMIM 278300.

Allele frequency attached by ClinVar (database versions not stated): gnomAD exomes 0.33333; TOPMed 0.39658; gnomAD 0.40251 and 0.40908; 1000 Genomes Project 30x 0.41771; 1000 Genomes Project 0.42232.
gnomAD v4.1: 62,175 of 152,058 alleles (41%); highest among the groups gnomAD compares: East Asian, 58%; 14,475 homozygotes.

Submissions (2):

Illumina Laboratory Services, Illumina
Classification: Benign for Hereditary xanthinuria type 1. Last evaluated: 2018-01-13. Review status: criteria provided, single submitter. Criteria: ICSL Variant Classification Criteria 13 December 2019. Collection method: clinical testing. Allele origin: germline.
Comment: This variant was observed in the ICSL laboratory as part of a predisposition screen in an ostensibly healthy population. It had not been previously curated by ICSL or reported in the Human Gene Mutation Database (HGMD: prior to June 1st, 2018), and was therefore a candidate for classification through an automated scoring system. Utilizing variant allele frequency, disease prevalence and penetrance estimates, and inheritance mode, an automated score was calculated to assess if this variant is too frequent to cause the disease. Based on the score and internal cut-off values, a variant classified as benign is not then subjected to further curation. The score for this variant resulted in a classification of benign for this disease.

Breakthrough Genomics
Classification: Benign. Review status: criteria provided, single submitter. Criteria: ACMG Guidelines, 2015. Collection method: not provided. Allele origin: germline. Inheritance: Autosomal recessive inheritance. Affected: yes.

NM_000379.4(XDH):c.*1516C>T

Gene: XDH (xanthine dehydrogenase; minus strand). Cytogenetic location: 2p23.1.
Variant type: single nucleotide variant.
Coding change: c.*1516C>T on transcript NM_000379.4 (MANE Select); 1516 bases downstream of the stop codon, C replaced by T.
Molecular consequence: 3 prime UTR variant.
Genome position (GRCh38, 1-based): chr2:31,334,442, G>A on the plus strand (C>T on the coding strand, the complement: XDH is on the minus strand). VCF-style: chr2-31334442-G-A. GRCh37 (hg19) VCF-style: chr2-31557308-G-A.
Identifiers: ClinVar variation 335734 (VCV000335734.6), dbSNP rs1054889, ClinGen allele CA10613175.
Genomic context (GRCh38, chr2:31,334,442, plus strand): 5'-ATCCTCCCTCCATGGCCAGAACCACAGATTCTCTCTGGCAGAAGGTTGGATTTATACAGT[G>A]AAGGCATGTGACAGTGACACATTGTCCACCCAGCACCATGTAGGGATTAAATCACCATTT-3'